The following is an entry in ClinVar:

ClinVar aggregate classification (germline): Uncertain significance (1 of 4 stars; one submission).

Conditions:
Cardiovascular phenotype. Identifiers: MedGen CN230736.

Submission:

Ambry Genetics
Classification: Uncertain significance for Cardiovascular phenotype. Last evaluated: 2026-07-07. Review status: criteria provided, single submitter. Criteria: Ambry Variant Classification Scheme 2023. Collection method: clinical testing. Allele origin: germline.
Comment: The p.H1950P variant (also known as c.5849A>C), located in coding exon 24 of the DSP gene, results from an A to C substitution at nucleotide position 5849. The histidine at codon 1950 is replaced by proline, an amino acid with similar properties. This amino acid position is conserved. In addition, the in silico prediction for this alteration is inconclusive. Based on the available evidence, the clinical significance of this variant remains unclear.

NM_004415.4(DSP):c.5849A>C (p.His1950Pro)

Gene: DSP (desmoplakin; plus strand). Cytogenetic location: 6p24.3.
Variant type: single nucleotide variant.
Coding change: c.5849A>C on transcript NM_004415.4 (MANE Select); coding-DNA position 5849, A replaced by C.
Protein change: p.His1950Pro; replaces histidine 1950 with proline.
Molecular consequence: missense variant.
Genome position (GRCh38, 1-based): chr6:7,583,111, A>C. VCF-style: chr6-7583111-A-C. GRCh37 (hg19) VCF-style: chr6-7583344-A-C.
Other names: c.4052A>C, p.His1351Pro (NM_001008844.3); c.4520A>C, p.His1507Pro (NM_001319034.2); short protein forms H1950P, H1351P, H1507P.
Identifiers: ClinVar variation 5035644 (VCV005035644.1).